The following is an entry in ClinVar:

NM_000179.3(MSH6):c.3477C>T (p.Tyr1159=)

Gene: MSH6 (mutS homolog 6; plus strand). Cytogenetic location: 2p16.3.
Variant type: single nucleotide variant.
Coding change: c.3477C>T on transcript NM_000179.3 (MANE Select); coding-DNA position 3477, C replaced by T.
Protein change: p.Tyr1159=; no amino-acid change (tyrosine 1159 retained).
Molecular consequence: synonymous variant.
Genome position (GRCh38, 1-based): chr2:47,804,948, C>T. VCF-style: chr2-47804948-C-T. GRCh37 (hg19) VCF-style: chr2-48032087-C-T.
Other names: c.3087C>T, p.Tyr1029= (NM_001281492.2); c.2571C>T, p.Tyr857= (NM_001281493.2, NM_001281494.2).
Identifiers: ClinVar variation 89395 (VCV000089395.29), dbSNP rs398123231, ClinGen allele CA013019.

ClinVar aggregate classification (germline): Benign/Likely benign. Review status: criteria provided, multiple submitters, no conflicts (2 of 4 stars). 11 submissions from 11 submitters: Benign (2); Likely benign (9). Last evaluated 2026-01-10.

Conditions:
Hereditary nonpolyposis colorectal neoplasms. Identifiers: MedGen C0009405, MeSH D003123.
Lynch syndrome 5 (LYNCH5). Also called: Colorectal cancer, hereditary nonpolyposis, type 5; Hereditary non-polyposis colorectal cancer, type 5. Identifiers: Orphanet 144, MedGen C1833477, MONDO:0013710, OMIM 614350. Disease mechanism: loss of function.
Hereditary cancer-predisposing syndrome. Also called: Hereditary Cancer Syndrome; Tumor predisposition; Hereditary neoplastic syndrome; Neoplastic Syndromes, Hereditary. Identifiers: Orphanet 140162, MedGen C0027672, MeSH D009386, MONDO:0015356.
Lynch syndrome. Identifiers: Orphanet 144, MedGen C4552100, MONDO:0005835. Disease mechanism: loss of function.

Allele frequency attached by ClinVar (database versions not stated): ExAC 0.00002; TOPMed 0.00001.

Submissions (11):

Labcorp Genetics (formerly Invitae), Labcorp
Classification: Likely benign for Hereditary nonpolyposis colorectal neoplasms. Last evaluated: 2026-01-10. Review status: criteria provided, single submitter. Criteria: Invitae Variant Classification Sherloc (09022015). Collection method: clinical testing. Allele origin: germline.

Institute for Biomarker Research, Medical Diagnostic Laboratories, L.L.C.
Classification: Likely benign for Hereditary cancer-predisposing syndrome. Last evaluated: 2025-12-08. Review status: criteria provided, single submitter. Criteria: ACMG Guidelines, 2015. Collection method: clinical testing. Allele origin: germline.
Comment: The synonymous variant NM_000179.3(MSH6):c.3477C>T (p.Tyr1159=) has been reported to ClinVar as Benign/Likely benign with a status of (2 stars) criteria provided, multiple submitters, no conflicts (Accession: VCV000089395.27). The p.Tyr1159= variant is observed in 2/34,572 (0.0058%) alleles from individuals of gnomAD Latino background in gnomAD. The p.Tyr1159= variant is not predicted to disrupt an existing splice site. The p.Tyr1159= variant results in a substitution of a base that is not predicted conserved by GERP++ and PhyloP. For these reasons, this variant has been classified as Likely Benign.

Quest Diagnostics Nichols Institute San Juan Capistrano
Classification: Likely benign. Last evaluated: 2025-08-12. Review status: criteria provided, single submitter. Criteria: Quest Diagnostics criteria. Collection method: clinical testing. Allele origin: unknown.

Myriad Genetics, Inc.
Classification: Benign for Lynch syndrome 5. Last evaluated: 2025-01-07. Review status: criteria provided, single submitter. Criteria: Myriad Autosomal Dominant, Autosomal Recessive and X-Linked Classification Criteria (2023). Collection method: clinical testing. Allele origin: unknown.
Comment: This variant is considered benign. This variant is a silent/synonymous amino acid change and it is not expected to impact splicing.

Department of Pathology and Laboratory Medicine, Sinai Health System
Classification: Likely benign for Lynch syndrome. Last evaluated: 2024-10-08. Review status: criteria provided, single submitter. Criteria: ACMG Guidelines, 2015. Collection method: clinical testing. Allele origin: germline. Affected: yes.

All of Us Research Program, National Institutes of Health
Classification: Likely benign for Lynch syndrome. Last evaluated: 2023-12-01. Review status: criteria provided, single submitter. Criteria: ACMG Guidelines, 2015. Collection method: clinical testing. Allele origin: germline. Inheritance: Autosomal dominant inheritance. Observed: 3 variant alleles, 3 heterozygotes.
Comment: This study involves interpretation of variants in research participants for the purpose of population health screening. Participant phenotype was not available at the time of variant classification. Additional details can be found in publication PMID: 35346344, PMCID: PMC8962531

Sema4
Classification: Likely benign for Hereditary cancer-predisposing syndrome. Last evaluated: 2022-03-04. Review status: criteria provided, single submitter. Criteria: Sema4 Curation Guidelines. Collection method: curation. Allele origin: germline.

Women's Health and Genetics/Laboratory Corporation of America, LabCorp
Classification: Likely benign. Last evaluated: 2020-09-28. Review status: criteria provided, single submitter. Criteria: LabCorp Variant Classification Summary - May 2015. Collection method: clinical testing. Allele origin: germline.

Color Diagnostics, LLC DBA Color Health
Classification: Likely benign for Hereditary cancer-predisposing syndrome. Last evaluated: 2017-11-09. Review status: criteria provided, single submitter. Criteria: ACMG Guidelines, 2015. Collection method: clinical testing. Allele origin: germline.

GeneDx
Classification: Benign. Last evaluated: 2015-03-03. Review status: criteria provided, single submitter. Criteria: GeneDx Variant Classification Process June 2021. Collection method: clinical testing. Allele origin: germline. Affected: yes.

Ambry Genetics
Classification: Likely benign for Hereditary cancer-predisposing syndrome. Last evaluated: 2014-08-14. Review status: criteria provided, single submitter. Criteria: Ambry Variant Classification Scheme 2023. Collection method: clinical testing. Allele origin: germline.

Literature cited by the submitters: PubMed 36470260 (cited by Quest Diagnostics Nichols Institute San Juan Capistrano); PubMed 32980694 (cited by Quest Diagnostics Nichols Institute San Juan Capistrano); PubMed 31386297 (cited by Quest Diagnostics Nichols Institute San Juan Capistrano).